The following is an entry in ClinVar:

ClinVar aggregate classification (germline): Uncertain significance (1 of 4 stars; one submission).

Conditions:
Neuroblastoma, susceptibility to, 3. Also called: ALK-Related Neuroblastic Tumor Susceptibility. Identifiers: Orphanet 635, MedGen C2751681, MONDO:0013083, OMIM 613014.

Submission:

Labcorp Genetics (formerly Invitae), Labcorp
Classification: Uncertain significance for Neuroblastoma, susceptibility to, 3. Last evaluated: 2021-05-18. Review status: criteria provided, single submitter. Criteria: Invitae Variant Classification Sherloc (09022015). Collection method: clinical testing. Allele origin: germline.
Comment: This variant has not been reported in the literature in individuals with ALK-related conditions. This sequence change affects codon 515 of the ALK mRNA. It is a 'silent' change, meaning that it does not change the encoded amino acid sequence of the ALK protein. This variant is not present in population databases (ExAC no frequency). Algorithms developed to predict the effect of sequence changes on RNA splicing suggest that this variant may disrupt the consensus splice site, but this prediction has not been confirmed by published transcriptional studies. In summary, the available evidence is currently insufficient to determine the role of this variant in disease. Therefore, it has been classified as a Variant of Uncertain Significance.

NM_004304.5(ALK):c.1545A>G (p.Gln515=)

Gene: ALK (ALK receptor tyrosine kinase; minus strand). Cytogenetic location: 2p23.2.
Variant type: single nucleotide variant.
Coding change: c.1545A>G on transcript NM_004304.5 (MANE Select); coding-DNA position 1545, A replaced by G.
Protein change: p.Gln515=; no amino-acid change (glutamine 515 retained).
Molecular consequence: synonymous variant.
Genome position (GRCh38, 1-based): chr2:29,320,752, T>C on the plus strand (A>G on the coding strand, the complement: ALK is on the minus strand). VCF-style: chr2-29320752-T-C. GRCh37 (hg19) VCF-style: chr2-29543618-T-C.
Identifiers: ClinVar variation 1428892 (VCV001428892.8), dbSNP rs2148250832, ClinGen allele CA425435568.